The following is an entry in ClinVar:

ClinVar aggregate classification (germline): Pathogenic/Likely pathogenic. Review status: criteria provided, multiple submitters, no conflicts (2 of 4 stars). 4 submissions from 4 submitters: Pathogenic (3); Likely pathogenic (1). Last evaluated 2025-08-15.

Conditions:
Breast-ovarian cancer, familial, susceptibility to, 1 (BROVCA1). Also called: OVARIAN CANCER, SUSCEPTIBILITY TO; BRCA1 Hereditary Breast and Ovarian Cancer. Identifiers: Orphanet 145, MedGen C2676676, MONDO:0011450, OMIM 604370. Disease mechanism: loss of function.
Hereditary breast ovarian cancer syndrome. Also called: Hereditary breast and ovarian cancer syndrome (HBOC); Breast and ovarian cancer; Hereditary breast and ovarian cancer syndrome; Hereditary breast and/or ovarian cancer syndrome; Hereditary breast and ovarian cancer; BRCA1- and BRCA2-Associated Hereditary Breast and Ovarian Cancer. Identifiers: Orphanet 145, MedGen C0677776, MeSH D061325, MONDO:0003582. Disease mechanism: loss of function.
Hereditary cancer-predisposing syndrome. Also called: Hereditary neoplastic syndrome; Neoplastic Syndromes, Hereditary; Tumor predisposition; Hereditary Cancer Syndrome. Identifiers: Orphanet 140162, MedGen C0027672, MeSH D009386, MONDO:0015356.

Submissions (4):

Ambry Genetics
Classification: Pathogenic for Hereditary cancer-predisposing syndrome. Last evaluated: 2025-08-15. Review status: criteria provided, single submitter. Criteria: Ambry Variant Classification Scheme 2023. Collection method: clinical testing. Allele origin: germline.
Comment: The c.915dupT pathogenic mutation, located in coding exon 9 of the BRCA1 gene, results from a duplication of T at nucleotide position 915, causing a translational frameshift with a predicted alternate stop codon (p.N306*). This variant is considered to be rare based on population cohorts in the Genome Aggregation Database (gnomAD). This alteration is expected to result in loss of function by premature protein truncation or nonsense-mediated mRNA decay. As such, this alteration is interpreted as a disease-causing mutation.

Baylor Genetics
Classification: Likely pathogenic for Breast-ovarian cancer, familial, susceptibility to, 1. Last evaluated: 2023-10-27. Review status: criteria provided, single submitter. Criteria: ACMG Guidelines, 2015. Collection method: clinical testing. Allele origin: unknown.

Color Diagnostics, LLC DBA Color Health
Classification: Pathogenic for Hereditary cancer-predisposing syndrome. Last evaluated: 2022-03-01. Review status: criteria provided, single submitter. Criteria: ACMG Guidelines, 2015. Collection method: clinical testing. Allele origin: germline.
Comment: This variant inserts 1 nucleotide in exon 10 of the BRCA1 gene, creating a frameshift and premature translation stop signal. This variant is expected to result in an absent or non-functional protein product. To our knowledge, this variant has not been reported in individuals affected with hereditary cancer in the literature. This variant has not been identified in the general population by the Genome Aggregation Database (gnomAD). Loss of BRCA1 function is a known mechanism of disease. Based on the available evidence, this variant is classified as Pathogenic.

Labcorp Genetics (formerly Invitae), Labcorp
Classification: Pathogenic for Hereditary breast ovarian cancer syndrome. Last evaluated: 2020-01-02. Review status: criteria provided, single submitter. Criteria: Invitae Variant Classification Sherloc (09022015). Collection method: clinical testing. Allele origin: germline.
Comment: This variant is not present in population databases (ExAC no frequency). This sequence change creates a premature translational stop signal (p.Asn306*) in the BRCA1 gene. It is expected to result in an absent or disrupted protein product. This variant has not been reported in the literature in individuals with BRCA1-related conditions. For these reasons, this variant has been classified as Pathogenic. Loss-of-function variants in BRCA1 are known to be pathogenic (PMID: 20104584).

Literature cited by the submitters: PubMed 20104584 (cited by Labcorp Genetics (formerly Invitae), Labcorp).

NM_007294.4(BRCA1):c.915dup (p.Asn306Ter)

Gene: BRCA1 (BRCA1 DNA repair associated; minus strand). Cytogenetic location: 17q21.31.
Variant type: Duplication.
Coding change: c.915dup on transcript NM_007294.4 (MANE Select); coding-DNA position 915, one base duplicated (T; older notation c.915dupT).
Protein change: p.Asn306Ter; replaces asparagine 306 with a stop codon.
Molecular consequence: nonsense. On other transcripts: intron variant (137).
Genome position (GRCh38, 1-based): chr17:43,094,616, A duplicated on the plus strand (T on the coding strand, the reverse complement: BRCA1 is on the minus strand). VCF-style (leftmost placement, unchanged base first): chr17-43094615-T-TA. GRCh37 (hg19) VCF-style: chr17-41246632-T-TA.
Other names: c.915dup, p.Asn306Ter (NM_001407617.1, NM_001407618.1, NM_001407619.1 and 30 more transcripts); c.912dup, p.Asn305Ter (NM_001407636.1, NM_001407637.1, NM_001407638.1 and 22 more transcripts); c.906dup, p.Asn303Ter (NM_001407646.1, NM_001407647.1); c.837dup, p.Asn280Ter (NM_001407658.1, NM_001407663.1, NM_001407653.1 and 4 more transcripts); c.834dup, p.Asn279Ter (NM_001407659.1, NM_001407660.1, NM_001407661.1 and 1 more transcripts); c.792dup, p.Asn265Ter (NM_001407664.1, NM_001407665.1, NM_001407666.1 and 19 more transcripts); c.789dup, p.Asn264Ter (NM_001407685.1, NM_001407686.1, NM_001407940.1 and 11 more transcripts); c.774dup, p.Asn259Ter (NM_001407697.1, NM_001407698.1, NM_001407724.1 and 29 more transcripts); and 41 more; short protein forms N259*, N306*, N179*, N195*, N10*, N178*, N236*, N265*.
Identifiers: ClinVar variation 1072882 (VCV001072882.20), dbSNP rs2154485546, ClinGen allele CA2499224574.